The following is an entry in ClinVar:

NM_020745.4(AARS2):c.2488-19G>A

Gene: AARS2 (alanyl-tRNA synthetase 2, mitochondrial; minus strand). Cytogenetic location: 6p21.1.
Variant type: single nucleotide variant.
Coding change: c.2488-19G>A on transcript NM_020745.4 (MANE Select); 19 bases into the intron before coding-DNA position 2488, G replaced by A.
Molecular consequence: intron variant.
Genome position (GRCh38, 1-based): chr6:44,302,189, C>T on the plus strand (G>A on the coding strand, the complement: AARS2 is on the minus strand). VCF-style: chr6-44302189-C-T. GRCh37 (hg19) VCF-style: chr6-44269926-C-T.
Identifiers: ClinVar variation 508752 (VCV000508752.2), dbSNP rs548669358, ClinGen allele CA3833952.

ClinVar aggregate classification (germline): Likely benign. Review status: criteria provided, multiple submitters, no conflicts (2 of 4 stars). 2 submissions from 2 submitters: Likely benign (2). Last evaluated 2024-03-07.

Allele frequency attached by ClinVar (database versions not stated): ExAC 0.00001; gnomAD 0.00001 and 0.00002; gnomAD exomes 0.00001 and 0.00003; TOPMed 0.00001; 1000 Genomes Project 30x 0.00016; 1000 Genomes Project 0.00020.
gnomAD v4.1: 50 of 1,613,766 alleles (0.0031%); highest among the groups gnomAD compares: Non-Finnish European, 0.0042%; no homozygotes.

Submissions (2):

Blueprint Genetics
Classification: Likely benign. Last evaluated: 2024-03-07. Review status: criteria provided, single submitter. Criteria: ACMG Guidelines, 2015. Collection method: clinical testing. Allele origin: germline.

GeneDx
Classification: Likely benign. Last evaluated: 2017-04-18. Review status: criteria provided, single submitter. Criteria: GeneDx Variant Classification (06012015). Collection method: clinical testing. Allele origin: germline. Affected: yes.
Comment: This variant is considered likely benign or benign based on one or more of the following criteria: it is a conservative change, it occurs at a poorly conserved position in the protein, it is predicted to be benign by multiple in silico algorithms, and/or has population frequency not consistent with disease.